The following is an entry in ClinVar:

NM_000548.5(TSC2):c.3608C>T (p.Thr1203Ile)

Gene: TSC2 (TSC complex subunit 2; plus strand). Cytogenetic location: 16p13.3.
Variant type: single nucleotide variant.
Coding change: c.3608C>T on transcript NM_000548.5 (MANE Select); coding-DNA position 3608, C replaced by T.
Protein change: p.Thr1203Ile; replaces threonine 1203 with isoleucine.
Molecular consequence: missense variant.
Genome position (GRCh38, 1-based): chr16:2,080,375, C>T. VCF-style: chr16-2080375-C-T. GRCh37 (hg19) VCF-style: chr16-2130376-C-T.
Other names: c.3605C>T, p.Thr1202Ile (NM_001406663.1, NM_001406664.1); c.3476C>T, p.Thr1159Ile (NM_001406665.1, NM_001077183.3, NM_001370404.1); c.3569C>T, p.Thr1190Ile (NM_001406667.1); c.3566C>T, p.Thr1189Ile (NM_001406668.1); c.3497C>T, p.Thr1166Ile (NM_001406670.1); c.3467C>T, p.Thr1156Ile (NM_001406671.1); c.3464C>T, p.Thr1155Ile (NM_001406673.1); c.3461C>T, p.Thr1154Ile (NM_001406675.1); and 18 more; short protein forms T1006I, T1123I, T1153I, T625I, T711I, T959I, T960I, T712I.
Identifiers: ClinVar variation 1733175 (VCV001733175.30), dbSNP rs397515030, ClinGen allele CA394289751.
Genomic context (GRCh38, chr16:2,080,375, plus strand): 5'-TGGCGGCCTATGTGCCCCTGCTGACCCAGGGCTGGGCGGAGATCCTGGTCCGGAGGCCCA[C>T]AGGTACTGGGCGGGGCTGGCCTGAGCGCCATCTTTCTGCCAGTCACCCACAGAGCTGTGG-3'
Protein context (NP_000539.2, residues 1193-1213): GWAEILVRRP[Thr1203Ile]GNTSWLMSLE

ClinVar aggregate classification (germline): Conflicting classifications of pathogenicity. Review status: criteria provided, conflicting classifications (1 of 4 stars). 4 submissions from 4 submitters: Likely pathogenic (1); Uncertain significance (3). Last evaluated 2026-07-07.

Conditions:
Hereditary cancer-predisposing syndrome. Also called: Hereditary neoplastic syndrome; Tumor predisposition; Neoplastic Syndromes, Hereditary; Hereditary Cancer Syndrome. Identifiers: Orphanet 140162, MedGen C0027672, MeSH D009386, MONDO:0015356.
Tuberous sclerosis 2 (TSC2). Identifiers: Orphanet 805, MedGen C1860707, MONDO:0013199, OMIM 613254.

Allele frequency attached by ClinVar (database versions not stated): gnomAD exomes below 0.00001.
gnomAD v4.1: 1 of 1,611,498 alleles (0.000062%); highest among the groups gnomAD compares: Non-Finnish European, 0.000085%; no homozygotes.

Submissions (4):

Ambry Genetics
Classification: Uncertain significance for Hereditary cancer-predisposing syndrome. Last evaluated: 2026-07-07. Review status: criteria provided, single submitter. Criteria: Ambry Variant Classification Scheme 2023. Collection method: clinical testing. Allele origin: germline.
Comment: The p.T1203I variant (also known as c.3608C>T), located in coding exon 29 of the TSC2 gene, results from a C to T substitution at nucleotide position 3608. The threonine at codon 1203 is replaced by isoleucine, an amino acid with similar properties. This amino acid position is conserved. In addition, this alteration is predicted to be deleterious by in silico analysis. Based on the available evidence, the clinical significance of this variant remains unclear.

Laboratory of Genetics, Children's Clinical University Hospital Latvia
Classification: Likely pathogenic. Last evaluated: 2025-02-16. Review status: criteria provided, single submitter. Criteria: ACMG Guidelines, 2015. Collection method: clinical testing. Allele origin: germline. Affected: yes.

Labcorp Genetics (formerly Invitae), Labcorp
Classification: Uncertain significance for Tuberous sclerosis 2. Last evaluated: 2024-11-05. Review status: criteria provided, single submitter. Criteria: Invitae Variant Classification Sherloc (09022015). Collection method: clinical testing. Allele origin: germline.
Comment: This sequence change replaces threonine, which is neutral and polar, with isoleucine, which is neutral and non-polar, at codon 1203 of the TSC2 protein (p.Thr1203Ile). This variant is not present in population databases (gnomAD no frequency). This variant has not been reported in the literature in individuals affected with TSC2-related conditions. ClinVar contains an entry for this variant (Variation ID: 1733175). An algorithm developed to predict the effect of missense changes on protein structure and function (PolyPhen-2) suggests that this variant is likely to be disruptive. This variant disrupts the p.Thr1203 amino acid residue in TSC2. Other variant(s) that disrupt this residue have been determined to be pathogenic (PMID: 34489640). This suggests that this residue is clinically significant, and that variants that disrupt this residue are likely to be disease-causing. In summary, the available evidence is currently insufficient to determine the role of this variant in disease. Therefore, it has been classified as a Variant of Uncertain Significance.

CeGaT Center for Human Genetics Tuebingen
Classification: Uncertain significance. Last evaluated: 2024-02-01. Review status: criteria provided, single submitter. Criteria: CeGaT Center For Human Genetics Tuebingen Variant Classification Criteria Version 2. Collection method: clinical testing. Allele origin: germline. Affected: yes. Observed: 3 variant alleles.
Comment: TSC2: PM2, PM5

Literature cited by the submitters: PubMed 34489640 (cited by Labcorp Genetics (formerly Invitae), Labcorp).